The following is an entry in ClinVar:

NM_000059.4(BRCA2):c.7307A>G (p.Asn2436Ser)

Gene: BRCA2 (BRCA2 DNA repair associated; plus strand). Cytogenetic location: 13q13.1.
Variant type: single nucleotide variant.
Coding change: c.7307A>G on transcript NM_000059.4 (MANE Select); coding-DNA position 7307, A replaced by G.
Protein change: p.Asn2436Ser; replaces asparagine 2436 with serine.
Molecular consequence: missense variant.
Genome position (GRCh38, 1-based): chr13:32,355,160, A>G. VCF-style: chr13-32355160-A-G. GRCh37 (hg19) VCF-style: chr13-32929297-A-G.
Other names: short protein forms N2436S.
Identifiers: ClinVar variation 142994 (VCV000142994.9), dbSNP rs80358955, ClinGen allele CA025023.

ClinVar aggregate classification (germline): Uncertain significance. Review status: criteria provided, multiple submitters, no conflicts (2 of 4 stars). 2 submissions from 2 submitters: Uncertain significance (2). Last evaluated 2021-09-20.

Conditions:
Hereditary cancer-predisposing syndrome. Also called: Hereditary Cancer Syndrome; Neoplastic Syndromes, Hereditary; Hereditary neoplastic syndrome; Tumor predisposition. Identifiers: Orphanet 140162, MedGen C0027672, MeSH D009386, MONDO:0015356.
Hereditary breast ovarian cancer syndrome. Also called: BRCA1- and BRCA2-Associated Hereditary Breast and Ovarian Cancer; Hereditary breast and ovarian cancer syndrome; Hereditary breast and/or ovarian cancer syndrome; Breast and ovarian cancer; Hereditary breast and ovarian cancer; Hereditary breast and ovarian cancer syndrome (HBOC). Identifiers: Orphanet 145, MedGen C0677776, MeSH D061325, MONDO:0003582. Disease mechanism: loss of function.

Submissions (2):

Labcorp Genetics (formerly Invitae), Labcorp
Classification: Uncertain significance for Hereditary breast ovarian cancer syndrome. Last evaluated: 2021-09-20. Review status: criteria provided, single submitter. Criteria: Invitae Variant Classification Sherloc (09022015). Collection method: clinical testing. Allele origin: germline.
Comment: This sequence change replaces asparagine with serine at codon 2436 of the BRCA2 protein (p.Asn2436Ser). The asparagine residue is weakly conserved and there is a small physicochemical difference between asparagine and serine. This variant is not present in population databases (ExAC no frequency). This variant has not been reported in the literature in individuals affected with BRCA2-related conditions. ClinVar contains an entry for this variant (Variation ID: 142994). Advanced modeling of protein sequence and biophysical properties (such as structural, functional, and spatial information, amino acid conservation, physicochemical variation, residue mobility, and thermodynamic stability) performed at Invitae indicates that this missense variant is not expected to disrupt BRCA2 protein function. In summary, the available evidence is currently insufficient to determine the role of this variant in disease. Therefore, it has been classified as a Variant of Uncertain Significance.

Ambry Genetics
Classification: Uncertain significance for Hereditary cancer-predisposing syndrome. Last evaluated: 2014-04-07. Review status: criteria provided, single submitter. Criteria: Ambry Autosomal Dominant and X-Linked criteria (10/2015). Collection method: clinical testing. Allele origin: germline. Observed: 1 variant allele.
Comment: The p.N2436S variant (also known as c.7307A>G or 7535A>G), located in coding exon 13 of the BRCA2 gene, results from an A to G substitution at nucleotide position 7307. The asparagine at codon 2436 is replaced by serine, an amino acid with highly similar properties. This variant was not reported in population based cohorts in the following databases: Database of Single Nucleotide Polymorphisms (dbSNP), NHLBI Exome Sequencing Project (ESP), and 1000 Genomes Project. To date, this alteration has been detected with an allele frequency of approximately 0.002% (greater than 42000 alleles tested) in our clinical cohort (includes this individual). This amino acid position is well conserved in available vertebrate species. In addition, this alteration is predicted to be benign and tolerated by PolyPhen and SIFT in silico analyses, respectively. Since supporting evidence is limited at this time, the clinical significance of p.N2436S remains unclear.